The following is an entry in ClinVar:

NM_001605.3(AARS1):c.1375G>A (p.Gly459Arg)

Gene: AARS1 (alanyl-tRNA synthetase 1; minus strand). Cytogenetic location: 16q22.1.
Variant type: single nucleotide variant.
Coding change: c.1375G>A on transcript NM_001605.3 (MANE Select); coding-DNA position 1375, G replaced by A.
Protein change: p.Gly459Arg; replaces glycine 459 with arginine.
Molecular consequence: missense variant.
Genome position (GRCh38, 1-based): chr16:70,265,075, C>T on the plus strand (G>A on the coding strand, the complement: AARS1 is on the minus strand). VCF-style: chr16-70265075-C-T. GRCh37 (hg19) VCF-style: chr16-70298978-C-T.
Other names: short protein forms G459R.
Identifiers: ClinVar variation 886311 (VCV000886311.12), dbSNP rs769182022, ClinGen allele CA8140829.

ClinVar aggregate classification (germline): Uncertain significance. Review status: criteria provided, multiple submitters, no conflicts (2 of 4 stars). 3 submissions from 3 submitters: Uncertain significance (3). Last evaluated 2023-11-24.

Conditions:
Inborn genetic diseases. Identifiers: MedGen C0950123, MeSH D030342.
Charcot-Marie-Tooth disease axonal type 2N (CMT2N). Also called: Charcot-Marie-Tooth Neuropathy Type 2N; CHARCOT-MARIE-TOOTH DISEASE, AXONAL, AUTOSOMAL DOMINANT, TYPE 2N; CHARCOT-MARIE-TOOTH NEUROPATHY, AXONAL, TYPE 2N. Identifiers: Orphanet 228174, MedGen C2750090, MONDO:0013212, OMIM 613287.
Charcot-Marie-Tooth disease type 2. Also called: Charcot-Marie-Tooth type 2. Identifiers: Orphanet 64746, MedGen C0270914, MONDO:0018993.

Allele frequency attached by ClinVar (database versions not stated): TOPMed 0.00002; gnomAD exomes 0.00001; gnomAD 0.00003 and 0.00002; ExAC 0.00002.
gnomAD v4.1: 23 of 1,614,140 alleles (0.0014%); highest among the groups gnomAD compares: Middle Eastern, 0.017%; no homozygotes.

Submissions (3):

Labcorp Genetics (formerly Invitae), Labcorp
Classification: Uncertain significance for Charcot-Marie-Tooth disease type 2. Last evaluated: 2023-11-24. Review status: criteria provided, single submitter. Criteria: Invitae Variant Classification Sherloc (09022015). Collection method: clinical testing. Allele origin: germline.
Comment: This sequence change replaces glycine, which is neutral and non-polar, with arginine, which is basic and polar, at codon 459 of the AARS protein (p.Gly459Arg). This variant is present in population databases (rs769182022, gnomAD 0.0009%). This variant has not been reported in the literature in individuals affected with AARS-related conditions. ClinVar contains an entry for this variant (Variation ID: 886311). Advanced modeling of protein sequence and biophysical properties (such as structural, functional, and spatial information, amino acid conservation, physicochemical variation, residue mobility, and thermodynamic stability) performed at Invitae indicates that this missense variant is not expected to disrupt AARS protein function with a negative predictive value of 95%. In summary, the available evidence is currently insufficient to determine the role of this variant in disease. Therefore, it has been classified as a Variant of Uncertain Significance.

Ambry Genetics
Classification: Uncertain significance for Inborn genetic diseases. Last evaluated: 2021-08-24. Review status: criteria provided, single submitter. Criteria: Ambry Variant Classification Scheme 2023. Collection method: clinical testing. Allele origin: germline.
Comment: The p.G459R variant (also known as c.1375G>A), located in coding exon 10 of the AARS gene, results from a G to A substitution at nucleotide position 1375. The glycine at codon 459 is replaced by arginine, an amino acid with dissimilar properties. This amino acid position is conserved. In addition, this alteration is predicted to be tolerated by in silico analysis. Since supporting evidence is limited at this time, the clinical significance of this alteration remains unclear.

Illumina Laboratory Services, Illumina
Classification: Uncertain significance for Charcot-Marie-Tooth disease axonal type 2N. Last evaluated: 2018-01-12. Review status: criteria provided, single submitter. Criteria: ICSL Variant Classification Criteria 13 December 2019. Collection method: clinical testing. Allele origin: germline.